The following is an entry in ClinVar:

NM_004725.4(BUB3):c.37C>T (p.Pro13Ser)

Gene: BUB3 (BUB3 mitotic checkpoint protein; plus strand). Cytogenetic location: 10q26.13.
Variant type: single nucleotide variant.
Coding change: c.37C>T on transcript NM_004725.4 (MANE Select); coding-DNA position 37, C replaced by T.
Protein change: p.Pro13Ser; replaces proline 13 with serine.
Molecular consequence: missense variant.
Genome position (GRCh38, 1-based): chr10:123,154,954, C>T. VCF-style: chr10-123154954-C-T. GRCh37 (hg19) VCF-style: chr10-124914470-C-T.
Other names: c.37C>T, p.Pro13Ser (NM_001007793.3); short protein forms P13S.
Identifiers: ClinVar variation 2496875 (VCV002496875.2), dbSNP rs2493755186, ClinGen allele CA378624808.

ClinVar aggregate classification (germline): Uncertain significance (1 of 4 stars; one submission).

Allele frequency attached by ClinVar (database versions not stated): gnomAD exomes 0.00001.
gnomAD v4.1: 5 of 1,614,132 alleles (0.00031%); highest among the groups gnomAD compares: Non-Finnish European, 0.00042%; no homozygotes.

Submission:

Ambry Genetics
Classification: Uncertain significance. Last evaluated: 2023-01-11. Review status: criteria provided, single submitter. Criteria: Ambry Variant Classification Scheme 2023. Collection method: clinical testing. Allele origin: germline.
Comment: The p.P13S variant (also known as c.37C>T), located in coding exon 1 of the BUB3 gene, results from a C to T substitution at nucleotide position 37. The proline at codon 13 is replaced by serine, an amino acid with similar properties. This amino acid position is conserved. In addition, the in silico prediction for this alteration is inconclusive. Since supporting evidence is limited at this time, the clinical significance of this alteration remains unclear.